The following is an entry in ClinVar:

NM_001276270.2(MBD4):c.1695G>C (p.Trp565Cys)

Gene: MBD4 (methyl-CpG binding domain 4, DNA glycosylase; minus strand). Cytogenetic location: 3q21.3.
Variant type: single nucleotide variant.
Coding change: c.1695G>C on transcript NM_001276270.2 (MANE Select); coding-DNA position 1695, G replaced by C.
Protein change: p.Trp565Cys; replaces tryptophan 565 with cysteine.
Molecular consequence: missense variant. On other transcripts: 3 prime UTR variant (1).
Genome position (GRCh38, 1-based): chr3:129,431,531, C>G on the plus strand (G>C on the coding strand, the complement: MBD4 is on the minus strand). VCF-style: chr3-129431531-C-G. GRCh37 (hg19) VCF-style: chr3-129150374-C-G.
Other names: c.*37G>C (NM_001276272.2); c.759G>C, p.Trp253Cys (NM_001276273.2); c.1713G>C, p.Trp571Cys (NM_003925.3); short protein forms W571C, W253C, W565C.
Identifiers: ClinVar variation 4706125 (VCV004706125.2).
Genomic context (GRCh38, chr3:129,431,531, plus strand): 5'-CATAACAGATGAGCTTGAAAGCTGCAGAGTTTAAGATAGACTTAATTTTTCATGATTTTC[C>G]CAAAGCCAGTCATGATATTTATTTAATTTGTGGTCTTCAGGGTGCACCTGGAAGAAACAT-3'
Protein context (NP_001263199.1, residues 555-574): HKLNKYHDWL[Trp565Cys]ENHEKLSLS

ClinVar aggregate classification (germline): Uncertain significance. Review status: criteria provided, multiple submitters, no conflicts (2 of 4 stars). 2 submissions from 2 submitters: Uncertain significance (2). Last evaluated 2026-08-11.

Conditions:
Inborn genetic diseases. Identifiers: MedGen C0950123, MeSH D030342.

gnomAD v4.1: 2 of 1,613,390 alleles (0.00012%); highest among the groups gnomAD compares: East Asian, 0.0045%; no homozygotes.

Submissions (2):

Ambry Genetics
Classification: Uncertain significance for Inborn genetic diseases. Last evaluated: 2026-08-11. Review status: criteria provided, single submitter. Criteria: Ambry Variant Classification Scheme 2023. Collection method: clinical testing. Allele origin: germline.
Comment: The p.W565C variant (also known as c.1695G>C), located in coding exon 8 of the MBD4 gene, results from a G to C substitution at nucleotide position 1695. The tryptophan at codon 565 is replaced by cysteine, an amino acid with highly dissimilar properties. This amino acid position is conserved. In addition, the in silico prediction for this alteration is inconclusive. Based on the available evidence, the clinical significance of this variant remains unclear.

Labcorp Genetics (formerly Invitae), Labcorp
Classification: Uncertain significance. Last evaluated: 2025-08-20. Review status: criteria provided, single submitter. Criteria: Invitae Variant Classification Sherloc (09022015). Collection method: clinical testing. Allele origin: germline.
Comment: This sequence change replaces tryptophan, which is neutral and slightly polar, with cysteine, which is neutral and slightly polar, at codon 571 of the MBD4 protein (p.Trp571Cys). This variant is present in population databases (rs765471793, gnomAD 0.006%). This variant has not been reported in the literature in individuals affected with MBD4-related conditions. An algorithm developed to predict the effect of missense changes on protein structure and function (PolyPhen-2) suggests that this variant is likely to be disruptive. In summary, the available evidence is currently insufficient to determine the role of this variant in disease. Therefore, it has been classified as a Variant of Uncertain Significance.